The following is an entry in ClinVar:

NM_018941.4(CLN8):c.530G>A (p.Trp177Ter)

Gene: CLN8 (CLN8 transmembrane ER and ERGIC protein; plus strand). Cytogenetic location: 8p23.3.
Variant type: single nucleotide variant.
Coding change: c.530G>A on transcript NM_018941.4 (MANE Select); coding-DNA position 530, G replaced by A.
Protein change: p.Trp177Ter; replaces tryptophan 177 with a stop codon.
Molecular consequence: nonsense.
Genome position (GRCh38, 1-based): chr8:1,771,584, G>A. VCF-style: chr8-1771584-G-A. GRCh37 (hg19) VCF-style: chr8-1719750-G-A.
Other names: short protein forms W177*.
Identifiers: ClinVar variation 2693100 (VCV002693100.3), dbSNP rs2486443393, ClinGen allele CA369953753.

ClinVar aggregate classification (germline): Pathogenic (1 of 4 stars; one submission).

Conditions:
Neuronal ceroid lipofuscinosis. Also called: Neuronal Ceroid Lipofuscinoses. Identifiers: Orphanet 216, Orphanet 79263, MedGen C0027877, MONDO:0016295. Disease mechanism: loss of function.

Submission:

Labcorp Genetics (formerly Invitae), Labcorp
Classification: Pathogenic for Neuronal ceroid lipofuscinosis. Last evaluated: 2023-11-15. Review status: criteria provided, single submitter. Criteria: Invitae Variant Classification Sherloc (09022015). Collection method: clinical testing. Allele origin: germline.
Comment: This sequence change creates a premature translational stop signal (p.Trp177*) in the CLN8 gene. While this is not anticipated to result in nonsense mediated decay, it is expected to disrupt the last 110 amino acid(s) of the CLN8 protein. This variant is not present in population databases (gnomAD no frequency). This variant has not been reported in the literature in individuals affected with CLN8-related conditions. This variant disrupts a region of the CLN8 protein in which other variant(s) (p.Trp263Cys) have been determined to be pathogenic (PMID: 15024724). This suggests that this is a clinically significant region of the protein, and that variants that disrupt it are likely to be disease-causing. For these reasons, this variant has been classified as Pathogenic.

Literature cited by the submitters: PubMed 15024724.